The following is an entry in ClinVar:

ClinVar aggregate classification (germline): Uncertain significance. Review status: criteria provided, multiple submitters, no conflicts (2 of 4 stars). 2 submissions from 2 submitters: Uncertain significance (2). Last evaluated 2022-08-18.

Conditions:
Inborn genetic diseases. Identifiers: MedGen C0950123, MeSH D030342.

Allele frequency attached by ClinVar (database versions not stated): gnomAD 0.00004 and 0.00007; ExAC 0.00006; gnomAD exomes 0.00006 and 0.00007; TOPMed 0.00011.
gnomAD v4.1: 95 of 1,613,934 alleles (0.0059%); highest among the groups gnomAD compares: South Asian, 0.018%; no homozygotes.

Submissions (3):

Labcorp Genetics (formerly Invitae), Labcorp
Classification: Uncertain significance. Last evaluated: 2022-08-18. Review status: criteria provided, single submitter. Criteria: Invitae Variant Classification Sherloc (09022015). Collection method: clinical testing. Allele origin: germline.
Comment: This sequence change falls in intron 7 of the ADAMTS10 gene. It does not directly change the encoded amino acid sequence of the ADAMTS10 protein. It affects a nucleotide within the consensus splice site. This variant is present in population databases (rs782132122, gnomAD 0.01%). This variant has not been reported in the literature in individuals affected with ADAMTS10-related conditions. ClinVar contains an entry for this variant (Variation ID: 1497837). Variants that disrupt the consensus splice site are a relatively common cause of aberrant splicing (PMID: 17576681, 9536098). Algorithms developed to predict the effect of sequence changes on RNA splicing suggest that this variant is not likely to affect RNA splicing. In summary, the available evidence is currently insufficient to determine the role of this variant in disease. Therefore, it has been classified as a Variant of Uncertain Significance.

Ambry Genetics
Classification: Uncertain significance for Inborn genetic diseases. Last evaluated: 2021-04-01. Review status: criteria provided, single submitter. Criteria: Ambry Variant Classification Scheme 2023. Collection method: clinical testing. Allele origin: germline.
Comment: The c.894+5G>A intronic alteration consists of a G to A substitution 5 nucleotides after exon 7 (coding exon 5) of the ADAMTS10 gene. Based on insufficient or conflicting evidence, the clinical significance of this alteration remains unclear.

Dr. Peter K. Rogan Lab, Western University
No classification provided (evidence only). Condition: Acute myeloid leukemia. Review status: no classification provided. Collection method: in vitro. Allele origin: not applicable. Functional consequence: retained intron. Not counted in ClinVar's aggregate classification.

Literature cited by the submitters: PubMed 17576681 (cited by Labcorp Genetics (formerly Invitae), Labcorp); PubMed 9536098 (cited by Labcorp Genetics (formerly Invitae), Labcorp).

NM_030957.4(ADAMTS10):c.894+5G>A

Gene: ADAMTS10 (ADAM metallopeptidase with thrombospondin type 1 motif 10; minus strand). Cytogenetic location: 19p13.2.
Variant type: single nucleotide variant.
Coding change: c.894+5G>A on transcript NM_030957.4 (MANE Select); 5 bases into the intron after coding-DNA position 894, G replaced by A.
Molecular consequence: intron variant.
Genome position (GRCh38, 1-based): chr19:8,597,229, C>T on the plus strand (G>A on the coding strand, the complement: ADAMTS10 is on the minus strand). VCF-style: chr19-8597229-C-T. GRCh37 (hg19) VCF-style: chr19-8662113-C-T.
Other names: c.894+5G>A (NM_030957.2).
Identifiers: ClinVar variation 1497837 (VCV001497837.5), dbSNP rs782132122, ClinGen allele CA9160707.